The following is an entry in ClinVar:

ClinVar aggregate classification (germline): Conflicting classifications of pathogenicity. Review status: criteria provided, conflicting classifications (1 of 4 stars). 6 submissions from 6 submitters: Uncertain significance (1); Benign (1); Likely benign (4). Last evaluated 2026-09-28.

Conditions:
Cardiovascular phenotype. Identifiers: MedGen CN230736.
Hereditary cancer-predisposing syndrome. Also called: Hereditary neoplastic syndrome; Neoplastic Syndromes, Hereditary; Tumor predisposition; Hereditary Cancer Syndrome. Identifiers: Orphanet 140162, MedGen C0027672, MeSH D009386, MONDO:0015356.
Neurofibromatosis, type 1 (NF1). Also called: Neurofibromatosis, type I; Peripheral type neurofibromatosis; VON RECKLINGHAUSEN DISEASE; NEUROFIBROMATOSIS, TYPE I, SOMATIC. Identifiers: Orphanet 636, MedGen C0027831, MONDO:0018975, OMIM 162200. Disease mechanism: loss of function.

Allele frequency attached by ClinVar (database versions not stated): gnomAD exomes below 0.00001; ExAC 0.00001.
gnomAD v4.1: 1 of 1,614,132 alleles (0.000062%); highest among the groups gnomAD compares: East Asian, 0.0022%; no homozygotes.

Submissions (6):

Myriad Genetics, Inc.
Classification: Benign for Neurofibromatosis, type 1. Last evaluated: 2026-09-28. Review status: criteria provided, single submitter. Criteria: Myriad Autosomal Dominant, Autosomal Recessive and X-Linked Classification Criteria (2023). Collection method: clinical testing. Allele origin: unknown.
Comment: This variant is considered benign. This variant is a silent/synonymous amino acid change and it is not expected to impact splicing.

Institute for Biomarker Research, Medical Diagnostic Laboratories, L.L.C.
Classification: Likely benign for Hereditary cancer-predisposing syndrome. Last evaluated: 2026-06-01. Review status: criteria provided, single submitter. Criteria: ACMG Guidelines, 2015. Collection method: clinical testing. Allele origin: germline.
Comment: The synonymous variant NM_000267.3(NF1):c.3423G>C (p.Leu1141=) is not currently classified as pathogenic in clinical sources (Accession: VCV000750926.9). The p.Leu1141= variant is observed in 1/44,878 (0.0022%) alleles from individuals of gnomAD v4 EastAsian background in gnomAD v4 All. The p.Leu1141= variant is not predicted to disrupt an existing splice site. The p.Leu1141= variant results in a substitution of a base that is not predicted conserved by GERP++ and PhyloP. For these reasons, this variant has been classified as Likely Benign.

Ambry Genetics
Classification: Likely benign for Cardiovascular phenotype; Hereditary cancer-predisposing syndrome. Last evaluated: 2025-05-24. Review status: criteria provided, single submitter. Criteria: Ambry Variant Classification Scheme 2023. Collection method: clinical testing. Allele origin: germline.

GeneDx
Classification: Uncertain significance. Last evaluated: 2024-12-11. Review status: criteria provided, single submitter. Criteria: GeneDx Variant Classification Process June 2021. Collection method: clinical testing. Allele origin: germline. Affected: yes.
Comment: In silico analysis indicates that this variant does not alter splicing; Has not been previously published as pathogenic or benign to our knowledge

Labcorp Genetics (formerly Invitae), Labcorp
Classification: Likely benign for Neurofibromatosis, type 1. Last evaluated: 2024-11-30. Review status: criteria provided, single submitter. Criteria: Invitae Variant Classification Sherloc (09022015). Collection method: clinical testing. Allele origin: germline.

Blueprint Genetics
Classification: Likely benign. Last evaluated: 2021-12-10. Review status: criteria provided, single submitter. Criteria: ACMG Guidelines, 2015. Collection method: clinical testing. Allele origin: germline.

NM_001042492.3(NF1):c.3423G>C (p.Leu1141=)

Gene: NF1 (neurofibromin 1; plus strand). Cytogenetic location: 17q11.2.
Variant type: single nucleotide variant.
Coding change: c.3423G>C on transcript NM_001042492.3 (MANE Select); coding-DNA position 3423, G replaced by C.
Protein change: p.Leu1141=; no amino-acid change (leucine 1141 retained).
Molecular consequence: synonymous variant.
Genome position (GRCh38, 1-based): chr17:31,232,808, G>C. VCF-style: chr17-31232808-G-C. GRCh37 (hg19) VCF-style: chr17-29559826-G-C.
Other names: c.3423G>C, p.Leu1141= (NM_000267.4).
Identifiers: ClinVar variation 750926 (VCV000750926.12), dbSNP rs748691653, ClinGen allele CA8486163.
Genomic context (GRCh38, chr17:31,232,808, plus strand): 5'-AGATGAAAGTGCGCAAACAGGTGGCAGGAAACGTGGCATGTCTCGGAGGCTGGCATCACT[G>C]AGGCACTGTACGGTCCTTGCAATGTCAAACTTACTCAATGCCAACGTAGACAGTGGTCTC-3'
Protein context (NP_001035957.1, residues 1131-1151): KRGMSRRLAS[Leu1141=]RHCTVLAMSN